The following is an entry in ClinVar:

NM_000023.4(SGCA):c.278C>T (p.Ala93Val)

Gene: SGCA (sarcoglycan alpha; plus strand). Cytogenetic location: 17q21.33.
Variant type: single nucleotide variant.
Coding change: c.278C>T on transcript NM_000023.4 (MANE Select); coding-DNA position 278, C replaced by T.
Protein change: p.Ala93Val; replaces alanine 93 with valine.
Molecular consequence: missense variant. On other transcripts: non-coding transcript variant (1).
Genome position (GRCh38, 1-based): chr17:50,167,702, C>T. VCF-style: chr17-50167702-C-T. GRCh37 (hg19) VCF-style: chr17-48245063-C-T.
Other names: c.278C>T, p.Ala93Val (NM_001135697.3); short protein forms A93V.
Identifiers: ClinVar variation 3233928 (VCV003233928.3), dbSNP rs2509119089, ClinGen allele CA400177825.

ClinVar aggregate classification (germline): Uncertain significance (1 of 4 stars; one submission).

Submission:

Women's Health and Genetics/Laboratory Corporation of America, LabCorp
Classification: Uncertain significance. Last evaluated: 2024-12-20. Review status: criteria provided, single submitter. Criteria: LabCorp Variant Classification Summary - May 2015. Collection method: clinical testing. Allele origin: germline.
Comment: Variant summary: SGCA c.278C>T (p.Ala93Val) results in a non-conservative amino acid change located in the dystroglycan-type cadherin-like domain (IPR006644) of the encoded protein sequence. Four of five in-silico tools predict a damaging effect of the variant on protein function. The variant was absent in 248896 control chromosomes.c.278C>T has been reported in the literature in at least two individuals affected with SGCA-related conditions (e.g., Duggan_1997, Trabelsi_2008). These data indicate that the variant may be associated with disease. To our knowledge, no experimental evidence demonstrating an impact on protein function has been reported. The following publications have been ascertained in the context of this evaluation (PMID: 9032047, 18285821). ClinVar contains an entry for this variant (Variation ID: 3233928). Based on the evidence outlined above, the variant was classified as VUS-possibly pathogenic.

Literature cited by the submitters: PubMed 9032047; PubMed 18285821.